The following is an entry in ClinVar:

NM_004655.4(AXIN2):c.888C>A (p.Ser296Arg)

Gene: AXIN2 (axin 2; minus strand). Cytogenetic location: 17q24.1.
Variant type: single nucleotide variant.
Coding change: c.888C>A on transcript NM_004655.4 (MANE Select); coding-DNA position 888, C replaced by A.
Protein change: p.Ser296Arg; replaces serine 296 with arginine.
Molecular consequence: missense variant.
Genome position (GRCh38, 1-based): chr17:65,549,588, G>T on the plus strand (C>A on the coding strand, the complement: AXIN2 is on the minus strand). VCF-style: chr17-65549588-G-T. GRCh37 (hg19) VCF-style: chr17-63545706-G-T.
Other names: c.888C>A, p.Ser296Arg (NM_001363813.1); short protein forms S296R.
Identifiers: ClinVar variation 4867307 (VCV004867307.1).

ClinVar aggregate classification (germline): Uncertain significance (1 of 4 stars; one submission).

Conditions:
Hereditary cancer-predisposing syndrome. Also called: Neoplastic Syndromes, Hereditary; Tumor predisposition; Hereditary Cancer Syndrome; Hereditary neoplastic syndrome. Identifiers: Orphanet 140162, MedGen C0027672, MeSH D009386, MONDO:0015356.

Submission:

Ambry Genetics
Classification: Uncertain significance for Hereditary cancer-predisposing syndrome. Last evaluated: 2026-04-30. Review status: criteria provided, single submitter. Criteria: Ambry Variant Classification Scheme 2023. Collection method: clinical testing. Allele origin: germline.
Comment: The p.S296R variant (also known as c.888C>A), located in coding exon 2 of the AXIN2 gene, results from a C to A substitution at nucleotide position 888. The serine at codon 296 is replaced by arginine, an amino acid with dissimilar properties. This amino acid position is conserved. In addition, this alteration is predicted to be deleterious by in silico analysis. Based on the available evidence, the clinical significance of this variant remains unclear.